The following is an entry in ClinVar:

ClinVar aggregate classification (germline): Conflicting classifications of pathogenicity. Review status: criteria provided, conflicting classifications (1 of 4 stars). 4 submissions from 4 submitters: Uncertain significance (2); Likely benign (2). Last evaluated 2025-12-28.

Conditions:
Inborn genetic diseases. Identifiers: MedGen C0950123, MeSH D030342.
Developmental and epileptic encephalopathy, 53. Also called: Epileptic encephalopathy, early infantile, 53. Identifiers: MedGen C4479313, MONDO:0033362, OMIM 617389.
Early-onset Parkinson disease 20. Also called: PARKINSON DISEASE 20, AUTOSOMAL RECESSIVE EARLY-ONSET. Identifiers: Orphanet 391411, MedGen C3809824, MONDO:0014233, OMIM 615530.

Allele frequency attached by ClinVar (database versions not stated): ExAC 0.00015; 1000 Genomes Project 0.00020; gnomAD 0.00022 and 0.00024; ESP Exome Variant Server 0.00023; gnomAD exomes 0.00028; 1000 Genomes Project 30x 0.00031; TOPMed 0.00034.
gnomAD v4.1: 262 of 1,610,382 alleles (0.016%); highest among the groups gnomAD compares: Admixed American, 0.14%; 1 homozygote.

Submissions (4):

Labcorp Genetics (formerly Invitae), Labcorp
Classification: Likely benign for Developmental and epileptic encephalopathy, 53; Early-onset Parkinson disease 20. Last evaluated: 2025-12-28. Review status: criteria provided, single submitter. Criteria: Invitae Variant Classification Sherloc (09022015). Collection method: clinical testing. Allele origin: germline.

Ambry Genetics
Classification: Uncertain significance for Inborn genetic diseases. Last evaluated: 2021-07-13. Review status: criteria provided, single submitter. Criteria: Ambry Variant Classification Scheme 2023. Collection method: clinical testing. Allele origin: germline.
Comment: The c.2991+5G>A intronic alteration consists of a G to A substitution nucleotides after coding exon 22 in the SYNJ1 gene. Based on insufficient or conflicting evidence, the clinical significance of this alteration remains unclear.

GeneDx
Classification: Uncertain significance. Last evaluated: 2021-04-08. Review status: criteria provided, single submitter. Criteria: GeneDx Variant Classification Process June 2021. Collection method: clinical testing. Allele origin: germline. Affected: yes.
Comment: Has not been previously published as pathogenic or benign to our knowledge; In-silico analysis, which includes splice predictors and evolutionary conservation, is inconclusive as to whether the variant alters gene splicing. In the absence of RNA/functional studies, the actual effect of this sequence change is unknown.

CeGaT Center for Human Genetics Tuebingen
Classification: Likely benign. Last evaluated: 2018-11-01. Review status: criteria provided, single submitter. Criteria: CeGaT Center For Human Genetics Tuebingen Variant Classification Criteria Version 2. Collection method: clinical testing. Allele origin: germline. Affected: yes. Observed: 1 variant allele.

NM_203446.3(SYNJ1):c.2874+5G>A

Gene: SYNJ1 (synaptojanin 1; minus strand). Cytogenetic location: 21q22.11.
Variant type: single nucleotide variant.
Coding change: c.2874+5G>A on transcript NM_203446.3 (MANE Select); 5 bases into the intron after coding-DNA position 2874, G replaced by A.
Molecular consequence: intron variant.
Genome position (GRCh38, 1-based): chr21:32,653,283, C>T on the plus strand (G>A on the coding strand, the complement: SYNJ1 is on the minus strand). VCF-style: chr21-32653283-C-T. GRCh37 (hg19) VCF-style: chr21-34025593-C-T.
Other names: c.2991+5G>A (NM_003895.4); c.2874+5G>A (NM_001160302.2); c.2859+5G>A (NM_001160306.2).
Identifiers: ClinVar variation 478336 (VCV000478336.55), dbSNP rs371765751, ClinGen allele CA10003564.